The following is an entry in ClinVar:

ClinVar aggregate classification (germline): Benign/Likely benign. Review status: criteria provided, multiple submitters, no conflicts (2 of 4 stars). 6 submissions from 6 submitters: Benign (1); Likely benign (3). 2 of the submissions do not count toward it. Last evaluated 2026-01-25.

Conditions:
CRB2-related disorder. Also called: CRB2-related disorders; CRB2-related condition.

Allele frequency attached by ClinVar (database versions not stated): gnomAD exomes 0.00118; ExAC 0.00169; 1000 Genomes Project 30x 0.00453; 1000 Genomes Project 0.00479; ESP Exome Variant Server 0.00482; gnomAD 0.00531 and 0.00575; TOPMed 0.00589.

Submissions (6):

Labcorp Genetics (formerly Invitae), Labcorp
Classification: Benign. Last evaluated: 2026-01-25. Review status: criteria provided, single submitter. Criteria: Invitae Variant Classification Sherloc (09022015). Collection method: clinical testing. Allele origin: germline.

Blueprint Genetics
Classification: Likely benign. Last evaluated: 2024-11-27. Review status: criteria provided, single submitter. Criteria: ACMG Guidelines, 2015. Collection method: clinical testing. Allele origin: germline.

GeneDx
Classification: Likely benign. Last evaluated: 2020-06-07. Review status: criteria provided, single submitter. Criteria: GeneDx Variant Classification Process June 2021. Collection method: clinical testing. Allele origin: germline. Affected: yes.

Breakthrough Genomics
Classification: Likely benign. Review status: criteria provided, single submitter. Criteria: ACMG Guidelines, 2015. Collection method: not provided. Allele origin: germline. Inheritance: Autosomal recessive inheritance. Affected: yes.

Genetic Services Laboratory, University of Chicago
Classification: Benign. Last evaluated: 2022-12-19. Review status: no assertion criteria provided. Collection method: clinical testing. Allele origin: germline. Affected: no. Not counted in ClinVar's aggregate classification.

PreventionGenetics, part of Exact Sciences
Classification: Benign for CRB2-related condition. Last evaluated: 2019-06-13. Review status: no assertion criteria provided. Collection method: clinical testing. Allele origin: germline. Not counted in ClinVar's aggregate classification.
Comment: This variant is classified as benign based on ACMG/AMP sequence variant interpretation guidelines (Richards et al. 2015 PMID: 25741868, with internal and published modifications).

NM_173689.7(CRB2):c.3325C>G (p.His1109Asp)

Gene: CRB2 (crumbs cell polarity complex component 2; plus strand). Cytogenetic location: 9q33.3.
Variant type: single nucleotide variant.
Coding change: c.3325C>G on transcript NM_173689.7 (MANE Select); coding-DNA position 3325, C replaced by G.
Protein change: p.His1109Asp; replaces histidine 1109 with aspartic acid.
Molecular consequence: missense variant. On other transcripts: non-coding transcript variant (1).
Genome position (GRCh38, 1-based): chr9:123,373,856, C>G. VCF-style: chr9-123373856-C-G. GRCh37 (hg19) VCF-style: chr9-126136135-C-G.
Other names: short protein forms H1109D.
Identifiers: ClinVar variation 718948 (VCV000718948.18), dbSNP rs185968694, ClinGen allele CA5232418.